The following is an entry in ClinVar:

ClinVar aggregate classification (germline): Conflicting classifications of pathogenicity. Review status: criteria provided, conflicting classifications (1 of 4 stars). 8 submissions from 8 submitters: Uncertain significance (6); Likely benign (1). 1 of the submissions does not count toward it. Last evaluated 2025-07-21.

Conditions:
Hereditary cancer-predisposing syndrome. Also called: Neoplastic Syndromes, Hereditary; Hereditary neoplastic syndrome; Hereditary Cancer Syndrome; Tumor predisposition. Identifiers: Orphanet 140162, MedGen C0027672, MeSH D009386, MONDO:0015356.
Breast-ovarian cancer, familial, susceptibility to, 2 (BROVCA2). Also called: BRCA2 Hereditary Breast and Ovarian Cancer. Identifiers: Orphanet 145, MedGen C2675520, MONDO:0012933, OMIM 612555. Disease mechanism: loss of function.
Hereditary breast ovarian cancer syndrome. Also called: Hereditary breast and ovarian cancer syndrome (HBOC); Hereditary breast and/or ovarian cancer syndrome; BRCA1- and BRCA2-Associated Hereditary Breast and Ovarian Cancer; Hereditary breast and ovarian cancer syndrome; Breast and ovarian cancer; Hereditary breast and ovarian cancer. Identifiers: Orphanet 145, MedGen C0677776, MeSH D061325, MONDO:0003582. Disease mechanism: loss of function.
BRCA2-related cancer predisposition. Identifiers: MedGen CN377758, MONDO:0700269.

Allele frequency attached by ClinVar (database versions not stated): gnomAD exomes below 0.00001.
gnomAD v4.1: 6 of 1,614,126 alleles (0.00037%); highest among the groups gnomAD compares: Non-Finnish European, 0.00051%; no homozygotes.

Submissions (8):

Quest Diagnostics Nichols Institute San Juan Capistrano
Classification: Uncertain significance. Last evaluated: 2025-07-21. Review status: criteria provided, single submitter. Criteria: Quest Diagnostics criteria. Collection method: clinical testing. Allele origin: unknown.
Comment: The BRCA2 c.8180C>G (p.Ala2727Gly) variant has been reported in the published literature in individuals with prostate cancer (PMID: 36922933 (2022)) and familial pancreatic ductal adenocarcinoma-like symptoms (PMID: 31432501 (2019)). This variant showed benign effects in saturation genome editing assays measuring DNA repair-dependent cell survival (PMIDs: 39779848 (2025), 39779857 (2025)). This variant has not been reported in large, multi-ethnic general populations (Genome Aggregation Database). Analysis of this variant using bioinformatics tools for the prediction of the effect of amino acid changes on protein structure and function yielded predictions that this variant is benign. Based on the available information, we are unable to determine the clinical significance of this variant.

Hema, HEMA – Genetic and Molecular Diagnostic Laboratory
Classification: Uncertain significance for BRCA2-related cancer predisposition. Last evaluated: 2025-06-17. Review status: criteria provided, single submitter. Criteria: HEMA Variant Classification Assertion Criteria. Collection method: clinical testing. Allele origin: germline.
Comment: It is a transversion from cytosine to guanine, resulting in the substitution of alanine 2727 by glycine. PM2_Supporting: Absent in gnomAD v2.1 non-cancer and gnomAD v3.1 non-cancer. BP4: The variant is located in a functional domain of BRCA1 and, according to SpliceAI, would not affect splicing (score = 0.02 ≤ 0.10) and, according to BayesDel_noAF, would not have an effect on the BRCA2 protein (score = -0.10 ≤ 0.18).

Ambry Genetics
Classification: Likely benign for Hereditary cancer-predisposing syndrome. Last evaluated: 2025-05-08. Review status: criteria provided, single submitter. Criteria: Ambry Variant Classification Scheme 2023. Collection method: clinical testing. Allele origin: germline.

Color Diagnostics, LLC DBA Color Health
Classification: Uncertain significance for Hereditary cancer-predisposing syndrome. Last evaluated: 2024-11-19. Review status: criteria provided, single submitter. Criteria: ACMG Guidelines, 2015. Collection method: clinical testing. Allele origin: germline.
Comment: This missense variant replaces alanine with glycine at codon 2727 of the BRCA2 protein. Computational prediction suggests that this variant may not impact protein structure and function. To our knowledge, functional studies have not been reported for this variant. This variant has been reported in an individual affected with intraductal papillary mucinous neoplasms with a family history of pancreatic cancer (PMID: 31432501). This variant has not been identified in the general population by the Genome Aggregation Database (gnomAD). The available evidence is insufficient to determine the role of this variant in disease conclusively. Therefore, this variant is classified as a Variant of Uncertain Significance.

Labcorp Genetics (formerly Invitae), Labcorp
Classification: Uncertain significance for Hereditary breast ovarian cancer syndrome. Last evaluated: 2024-09-03. Review status: criteria provided, single submitter. Criteria: Invitae Variant Classification Sherloc (09022015). Collection method: clinical testing. Allele origin: germline.
Comment: This sequence change replaces alanine, which is neutral and non-polar, with glycine, which is neutral and non-polar, at codon 2727 of the BRCA2 protein (p.Ala2727Gly). This variant is not present in population databases (gnomAD no frequency). This missense change has been observed in individual(s) with a personal and/or family history of pancreatic cancer (PMID: 31432501). ClinVar contains an entry for this variant (Variation ID: 252853). Invitae Evidence Modeling of protein sequence and biophysical properties (such as structural, functional, and spatial information, amino acid conservation, physicochemical variation, residue mobility, and thermodynamic stability) indicates that this missense variant is not expected to disrupt BRCA2 protein function with a negative predictive value of 95%. In summary, the available evidence is currently insufficient to determine the role of this variant in disease. Therefore, it has been classified as a Variant of Uncertain Significance.

Blueprint Genetics
Classification: Uncertain significance. Last evaluated: 2024-07-16. Review status: criteria provided, single submitter. Criteria: ACMG Guidelines, 2015. Collection method: clinical testing. Allele origin: germline.

GeneDx
Classification: Uncertain significance. Last evaluated: 2015-05-13. Review status: criteria provided, single submitter. Criteria: GeneDx Variant Classification (06012015). Collection method: clinical testing. Allele origin: germline. Affected: yes.
Comment: This variant is denoted BRCA2 c.8180C>G at the cDNA level, p.Ala2727Gly (A2727G) at the protein level, and results in the change of an Alanine to a Glycine (GCT>GGT). Using alternate nomenclature, this variant would be defined as BRCA2 8408C>G. This variant has not, to our knowledge, been published in the literature as pathogenic or benign. BRCA2 Ala2727Gly was not observed in approximately 6,500 individuals of European and African American ancestry in the NHLBI Exome Sequencing Project, indicating it is not a common benign variant in these populations. Since Alanine and Glycine share similar properties, this is considered a conservative amino acid substitution. BRCA2 Ala2727Gly occurs at a position that is conserved in mammals and is located in the DNA binding domain (Borg 2010). In silico analyses predict that this variant is unlikely to alter protein structure or function. Based on currently available information, it is unclear whether BRCA2 Ala2727Gly is pathogenic or benign. We consider it to be a variant of uncertain significance.

Sharing Clinical Reports Project (SCRP)
Classification: Uncertain significance for Breast-ovarian cancer, familial 2. Last evaluated: 2013-09-03. Review status: no assertion criteria provided. Collection method: clinical testing. Allele origin: germline. Not counted in ClinVar's aggregate classification.

Literature cited by the submitters: PubMed 31432501 (cited by 4 submitters); PubMed 39779848 (cited by Quest Diagnostics Nichols Institute San Juan Capistrano); PubMed 31911673 (cited by Quest Diagnostics Nichols Institute San Juan Capistrano); PubMed 30787465 (cited by Quest Diagnostics Nichols Institute San Juan Capistrano); PubMed 36922933 (cited by Quest Diagnostics Nichols Institute San Juan Capistrano).

NM_000059.4(BRCA2):c.8180C>G (p.Ala2727Gly)

Gene: BRCA2 (BRCA2 DNA repair associated; plus strand). Cytogenetic location: 13q13.1.
Variant type: single nucleotide variant.
Coding change: c.8180C>G on transcript NM_000059.4 (MANE Select); coding-DNA position 8180, C replaced by G.
Protein change: p.Ala2727Gly; replaces alanine 2727 with glycine.
Molecular consequence: missense variant.
Genome position (GRCh38, 1-based): chr13:32,363,382, C>G. VCF-style: chr13-32363382-C-G. GRCh37 (hg19) VCF-style: chr13-32937519-C-G.
Other names: 8408C>G; short protein forms A2727G.
Identifiers: ClinVar variation 252853 (VCV000252853.28), dbSNP rs879255468, ClinGen allele CA10586083.